The following is an entry in ClinVar:

ClinVar aggregate classification (germline): Uncertain significance. Review status: criteria provided, multiple submitters, no conflicts (2 of 4 stars). 2 submissions from 2 submitters: Uncertain significance (2). Last evaluated 2025-03-28.

Conditions:
Inborn genetic diseases. Identifiers: MedGen C0950123, MeSH D030342.

Allele frequency attached by ClinVar (database versions not stated): gnomAD 0.00001; gnomAD exomes 0.00001; TOPMed 0.00001.
gnomAD v4.1: 18 of 1,606,180 alleles (0.0011%); highest among the groups gnomAD compares: Admixed American, 0.0033%; no homozygotes.

Submissions (2):

Ambry Genetics
Classification: Uncertain significance for Inborn genetic diseases. Last evaluated: 2025-03-28. Review status: criteria provided, single submitter. Criteria: Ambry Variant Classification Scheme 2023. Collection method: clinical testing. Allele origin: germline.

Labcorp Genetics (formerly Invitae), Labcorp
Classification: Uncertain significance. Last evaluated: 2024-01-31. Review status: criteria provided, single submitter. Criteria: Invitae Variant Classification Sherloc (09022015). Collection method: clinical testing. Allele origin: germline.
Comment: This sequence change replaces arginine, which is basic and polar, with cysteine, which is neutral and slightly polar, at codon 91 of the CD151 protein (p.Arg91Cys). This variant is present in population databases (no rsID available, gnomAD 0.006%). This variant has not been reported in the literature in individuals affected with CD151-related conditions. ClinVar contains an entry for this variant (Variation ID: 2184875). An algorithm developed to predict the effect of missense changes on protein structure and function (PolyPhen-2) suggests that this variant is likely to be tolerated. In summary, the available evidence is currently insufficient to determine the role of this variant in disease. Therefore, it has been classified as a Variant of Uncertain Significance.

NM_004357.5(CD151):c.271C>T (p.Arg91Cys)

Gene: CD151 (CD151 molecule (Raph blood group); plus strand). Cytogenetic location: 11p15.5.
Variant type: single nucleotide variant.
Coding change: c.271C>T on transcript NM_004357.5 (MANE Select); coding-DNA position 271, C replaced by T.
Protein change: p.Arg91Cys; replaces arginine 91 with cysteine.
Molecular consequence: missense variant.
Genome position (GRCh38, 1-based): chr11:836,437, C>T. VCF-style: chr11-836437-C-T. GRCh37 (hg19) VCF-style: chr11-836437-C-T.
Other names: c.271C>T, p.Arg91Cys (NM_001039490.2, NM_139029.2, NM_139030.4); c.271C>T (NM_004357.4); short protein forms R91C.
Identifiers: ClinVar variation 2184875 (VCV002184875.5), dbSNP rs1019424026, ClinGen allele CA216986012.